The following is an entry in ClinVar:

ClinVar aggregate classification (germline): Uncertain significance. Review status: criteria provided, multiple submitters, no conflicts (2 of 4 stars). 2 submissions from 2 submitters: Uncertain significance (2). Last evaluated 2022-04-15.

Conditions:
Succinate-semialdehyde dehydrogenase deficiency (SSADHD). Also called: Succinic Semialdehyde Dehydrogenase Deficiency; 4-HYDROXYBUTYRIC ACIDURIA; SSADH DEFICIENCY; GABA METABOLIC DEFECT. Identifiers: Orphanet 22, MedGen C0268631, MONDO:0010083, OMIM 271980.

Allele frequency attached by ClinVar (database versions not stated): gnomAD 0.00001; TOPMed 0.00001.

Submissions (2):

GeneDx
Classification: Uncertain significance. Last evaluated: 2022-04-15. Review status: criteria provided, single submitter. Criteria: GeneDx Variant Classification Process June 2021. Collection method: clinical testing. Allele origin: germline. Affected: yes.
Comment: Not observed at significant frequency in large population cohorts (gnomAD); In silico analysis supports that this missense variant does not alter protein structure/function; Has not been previously published as pathogenic or benign to our knowledge

Labcorp Genetics (formerly Invitae), Labcorp
Classification: Uncertain significance for Succinate-semialdehyde dehydrogenase deficiency. Last evaluated: 2021-12-25. Review status: criteria provided, single submitter. Criteria: Invitae Variant Classification Sherloc (09022015). Collection method: clinical testing. Allele origin: germline.
Comment: This sequence change replaces proline, which is neutral and non-polar, with leucine, which is neutral and non-polar, at codon 33 of the ALDH5A1 protein (p.Pro33Leu). This variant is not present in population databases (gnomAD no frequency). This variant has not been reported in the literature in individuals affected with ALDH5A1-related conditions. Advanced modeling of protein sequence and biophysical properties (such as structural, functional, and spatial information, amino acid conservation, physicochemical variation, residue mobility, and thermodynamic stability) performed at Invitae indicates that this missense variant is not expected to disrupt ALDH5A1 protein function. In summary, the available evidence is currently insufficient to determine the role of this variant in disease. Therefore, it has been classified as a Variant of Uncertain Significance.

NM_001080.3(ALDH5A1):c.98C>T (p.Pro33Leu)

Genes: ALDH5A1 (aldehyde dehydrogenase 5 family member A1; plus strand), GPLD1 (glycosylphosphatidylinositol specific phospholipase D1; minus strand), LOC129995978 (ATAC-STARR-seq lymphoblastoid silent region 16989; plus strand). Cytogenetic location: 6p22.3.
Variant type: single nucleotide variant.
Coding change: c.98C>T on transcript NM_001080.3 (MANE Select); coding-DNA position 98, C replaced by T.
Protein change: p.Pro33Leu; replaces proline 33 with leucine.
Molecular consequence: missense variant.
Genome position (GRCh38, 1-based): chr6:24,495,094, C>T. VCF-style: chr6-24495094-C-T. GRCh37 (hg19) VCF-style: chr6-24495322-C-T.
Other names: c.98C>T, p.Pro33Leu (NM_001368954.1, NM_170740.1); short protein forms P33L.
Identifiers: ClinVar variation 1710792 (VCV001710792.4), dbSNP rs1463546879, ClinGen allele CA362968225.